The following is an entry in ClinVar:

NM_014915.3(ANKRD26):c.4280A>T (p.Asn1427Ile)

Gene: ANKRD26 (ankyrin repeat domain 26; minus strand). Cytogenetic location: 10p12.1.
Variant type: single nucleotide variant.
Coding change: c.4280A>T on transcript NM_014915.3 (MANE Select); coding-DNA position 4280, A replaced by T.
Protein change: p.Asn1427Ile; replaces asparagine 1427 with isoleucine.
Molecular consequence: missense variant.
Genome position (GRCh38, 1-based): chr10:27,017,728, T>A on the plus strand (A>T on the coding strand, the complement: ANKRD26 is on the minus strand). VCF-style: chr10-27017728-T-A. GRCh37 (hg19) VCF-style: chr10-27306657-T-A.
Other names: c.4277A>T, p.Asn1426Ile (NM_001256053.2); short protein forms N1426I, N1427I.
Identifiers: ClinVar variation 3600912 (VCV003600912.3).

ClinVar aggregate classification (germline): Uncertain significance. Review status: criteria provided, multiple submitters, no conflicts (2 of 4 stars). 3 submissions from 3 submitters: Uncertain significance (3). Last evaluated 2025-12-21.

Conditions:
Inborn genetic diseases. Identifiers: MedGen C0950123, MeSH D030342.
Thrombocytopenia 2 (THC2). Also called: ANKRD26-Related Thrombocytopenia. Identifiers: Orphanet 268322, MedGen C1861185, MONDO:0008555, OMIM 188000.

Submissions (3):

Ambry Genetics
Classification: Uncertain significance for Inborn genetic diseases. Last evaluated: 2025-12-21. Review status: criteria provided, single submitter. Criteria: Ambry Variant Classification Scheme 2023. Collection method: clinical testing. Allele origin: germline.
Comment: The p.N1427I variant (also known as c.4280A>T), located in coding exon 30 of the ANKRD26 gene, results from an A to T substitution at nucleotide position 4280. The asparagine at codon 1427 is replaced by isoleucine, an amino acid with dissimilar properties. This amino acid position is conserved. In addition, the in silico prediction for this alteration is inconclusive. Based on the available evidence, the clinical significance of this variant remains unclear.

ARUP Laboratories, Molecular Genetics and Genomics, ARUP Laboratories
Classification: Uncertain significance for Thrombocytopenia 2. Last evaluated: 2025-07-14. Review status: criteria provided, single submitter. Criteria: ARUP Molecular Germline Variant Investigation Process 2024. Collection method: clinical testing. Allele origin: germline.
Comment: The ANKRD26 c.4280A>T; p.Asn1427Ile variant, to our knowledge, is not reported in the medical literature but is reported in ClinVar (Variation ID: 3600912). This variant is also absent from the Genome Aggregation Database (v2.1.1), indicating it is not a common polymorphism. Computational analyses are uncertain whether this variant is neutral or deleterious (REVEL: 0.363). Due to limited information, the clinical significance of this variant is uncertain at this time.

GeneDx
Classification: Uncertain significance. Last evaluated: 2024-07-22. Review status: criteria provided, single submitter. Criteria: GeneDx Variant Classification Process June 2021. Collection method: clinical testing. Allele origin: germline. Affected: yes.
Comment: Not observed at significant frequency in large population cohorts (gnomAD); In silico analysis supports that this missense variant has a deleterious effect on protein structure/function; Has not been previously published as pathogenic or benign to our knowledge